The following is an entry in ClinVar:

NM_000827.4(GRIA1):c.2349C>A (p.Asp783Glu)

Gene: GRIA1 (glutamate ionotropic receptor AMPA type subunit 1; plus strand). Cytogenetic location: 5q33.2.
Variant type: single nucleotide variant.
Coding change: c.2349C>A on transcript NM_000827.4 (MANE Select); coding-DNA position 2349, C replaced by A.
Protein change: p.Asp783Glu; replaces aspartic acid 783 with glutamic acid.
Molecular consequence: missense variant. On other transcripts: non-coding transcript variant (1), intron variant (5).
Genome position (GRCh38, 1-based): chr5:153,794,699, C>A. VCF-style: chr5-153794699-C-A. GRCh37 (hg19) VCF-style: chr5-153174259-C-A.
Other names: c.2109C>A, p.Asp703Glu (NM_001258019.2); c.2379C>A, p.Asp793Glu (NM_001258021.2); c.2142C>A, p.Asp714Glu (NM_001258023.1); c.2181C>A, p.Asp727Glu (NM_001364165.2); c.2298-777C>A (NM_001364166.2); c.2064-777C>A (NM_001364167.2); c.1986-777C>A (NM_001258020.2); c.2271-777C>A (NM_001114183.2); and 1 more; short protein forms D703E, D714E, D727E, D783E, D793E.
Identifiers: ClinVar variation 1809936 (VCV001809936.1), dbSNP rs2481055219, ClinGen allele CA362003570.

ClinVar aggregate classification (germline): Uncertain significance (1 of 4 stars; one submission).

Submission:

GeneDx
Classification: Uncertain significance. Last evaluated: 2022-06-30. Review status: criteria provided, single submitter. Criteria: GeneDx Variant Classification Process June 2021. Collection method: clinical testing. Allele origin: germline. Affected: yes.
Comment: Not observed at significant frequency in large population cohorts (gnomAD); In silico analysis supports a deleterious effect on splicing; Has not been previously published as pathogenic or benign to our knowledge; Reported using an alternate transcript of the gene